The following is an entry in ClinVar:

ClinVar aggregate classification (germline): Uncertain significance (1 of 4 stars; one submission).

Conditions:
Epidermodysplasia verruciformis. Identifiers: Orphanet 302, MedGen C0014522, MONDO:0009176.

gnomAD v4.1: 2 of 1,613,120 alleles (0.00012%); highest among the groups gnomAD compares: Non-Finnish European, 0.00017%; no homozygotes.

Submission:

Labcorp Genetics (formerly Invitae), Labcorp
Classification: Uncertain significance for Epidermodysplasia verruciformis. Last evaluated: 2024-12-12. Review status: criteria provided, single submitter. Criteria: Invitae Variant Classification Sherloc (09022015). Collection method: clinical testing. Allele origin: germline.
Comment: This sequence change replaces serine, which is neutral and polar, with cysteine, which is neutral and slightly polar, at codon 108 of the TMC8 protein (p.Ser108Cys). This variant is not present in population databases (gnomAD no frequency). This variant has not been reported in the literature in individuals affected with TMC8-related conditions. Invitae Evidence Modeling of protein sequence and biophysical properties (such as structural, functional, and spatial information, amino acid conservation, physicochemical variation, residue mobility, and thermodynamic stability) indicates that this missense variant is expected to disrupt TMC8 protein function with a positive predictive value of 80%. In summary, the available evidence is currently insufficient to determine the role of this variant in disease. Therefore, it has been classified as a Variant of Uncertain Significance.

NM_152468.5(TMC8):c.323C>G (p.Ser108Cys)

Genes: TMC6 (transmembrane channel like 6; minus strand), TMC8 (transmembrane channel like 8; plus strand), LOC130061793 (ATAC-STARR-seq lymphoblastoid silent region 9044; plus strand). Cytogenetic location: 17q25.3.
Variant type: single nucleotide variant.
Coding change: c.323C>G on transcript NM_152468.5 (MANE Select); coding-DNA position 323, C replaced by G.
Protein change: p.Ser108Cys; replaces serine 108 with cysteine.
Molecular consequence: missense variant. On other transcripts: 5 prime UTR variant (1).
Genome position (GRCh38, 1-based): chr17:78,132,383, C>G. VCF-style: chr17-78132383-C-G. GRCh37 (hg19) VCF-style: chr17-76128464-C-G.
Other names: c.-117G>C (NM_007267.7); short protein forms S108C.
Identifiers: ClinVar variation 3691091 (VCV003691091.2).